The following is an entry in ClinVar:

NM_015338.6(ASXL1):c.3767A>G (p.Asn1256Ser)

Gene: ASXL1 (ASXL transcriptional regulator 1; plus strand). Cytogenetic location: 20q11.21.
Variant type: single nucleotide variant.
Coding change: c.3767A>G on transcript NM_015338.6 (MANE Select); coding-DNA position 3767, A replaced by G.
Protein change: p.Asn1256Ser; replaces asparagine 1256 with serine.
Molecular consequence: missense variant.
Genome position (GRCh38, 1-based): chr20:32,436,479, A>G. VCF-style: chr20-32436479-A-G. GRCh37 (hg19) VCF-style: chr20-31024282-A-G.
Other names: c.3584A>G, p.Asn1195Ser (NM_001363734.1); short protein forms N1195S, N1256S.
Identifiers: ClinVar variation 3792666 (VCV003792666.1).

ClinVar aggregate classification (germline): Uncertain significance (1 of 4 stars; one submission).

Conditions:
Inborn genetic diseases. Identifiers: MedGen C0950123, MeSH D030342.

gnomAD v4.1: 1 of 1,614,202 alleles (0.000062%); highest among the groups gnomAD compares: Non-Finnish European, 0.000085%; no homozygotes.

Submission:

Ambry Genetics
Classification: Uncertain significance for Inborn genetic diseases. Last evaluated: 2025-01-23. Review status: criteria provided, single submitter. Criteria: Ambry Variant Classification Scheme 2023. Collection method: clinical testing. Allele origin: germline.
Comment: The p.N1256S variant (also known as c.3767A>G), located in coding exon 13 of the ASXL1 gene, results from an A to G substitution at nucleotide position 3767. The asparagine at codon 1256 is replaced by serine, an amino acid with highly similar properties. This amino acid position is conserved. In addition, this alteration is predicted to be tolerated by in silico analysis. Based on the available evidence, the clinical significance of this variant remains unclear.